The following is an entry in ClinVar:

ClinVar aggregate classification (germline): Benign/Likely benign. Review status: criteria provided, multiple submitters, no conflicts (2 of 4 stars). 2 submissions from 2 submitters: Benign (1); Likely benign (1). Last evaluated 2025-11-30.

Conditions:
Familial adenomatous polyposis 1 (FAP1). Also called: POLYPOSIS, ADENOMATOUS INTESTINAL; FAMILIAL ADENOMATOUS POLYPOSIS 1, ATTENUATED. Identifiers: MedGen C2713442, MONDO:0021056, OMIM 175100. Disease mechanism: loss of function.

Submissions (2):

Labcorp Genetics (formerly Invitae), Labcorp
Classification: Likely benign for Familial adenomatous polyposis 1. Last evaluated: 2025-11-30. Review status: criteria provided, single submitter. Criteria: Invitae Variant Classification Sherloc (09022015). Collection method: clinical testing. Allele origin: germline.

Myriad Genetics, Inc.
Classification: Benign for Familial adenomatous polyposis 1. Last evaluated: 2024-03-27. Review status: criteria provided, single submitter. Criteria: Myriad Autosomal Dominant, Autosomal Recessive and X-Linked Classification Criteria (2023). Collection method: clinical testing. Allele origin: unknown.
Comment: This variant is considered benign. This variant is a silent/synonymous amino acid change and it is not expected to impact splicing.

NM_000038.6(APC):c.4458T>C (p.Asp1486=)

Gene: APC (APC regulator of Wnt signaling pathway; plus strand). Cytogenetic location: 5q22.2.
Variant type: single nucleotide variant.
Coding change: c.4458T>C on transcript NM_000038.6 (MANE Select); coding-DNA position 4458, T replaced by C.
Protein change: p.Asp1486=; no amino-acid change (aspartic acid 1486 retained).
Molecular consequence: synonymous variant. On other transcripts: non-coding transcript variant (2).
Genome position (GRCh38, 1-based): chr5:112,840,052, T>C. VCF-style: chr5-112840052-T-C. GRCh37 (hg19) VCF-style: chr5-112175749-T-C.
Other names: c.4458T>C, p.Asp1486= (NM_001127510.3, NM_001354895.2, NM_001407450.1); c.4404T>C, p.Asp1468= (NM_001127511.3); c.4512T>C, p.Asp1504= (NM_001354896.2, NM_001407447.1, NM_001407448.1 and 1 more transcripts); c.4488T>C, p.Asp1496= (NM_001354897.2); c.4383T>C, p.Asp1461= (NM_001354898.2); c.4374T>C, p.Asp1458= (NM_001354899.2); c.4335T>C, p.Asp1445= (NM_001354900.2); c.4281T>C, p.Asp1427= (NM_001354901.2, NM_001407453.1); and 11 more.
Identifiers: ClinVar variation 3148771 (VCV003148771.2), dbSNP rs2149915235, ClinGen allele CA446206496.